The following is an entry in ClinVar:

ClinVar aggregate classification (germline): Uncertain significance (1 of 4 stars; one submission).

Conditions:
Blau syndrome (BLAUS). Also called: ARTHROCUTANEOUVEAL GRANULOMATOSIS; GRANULOMATOSIS, FAMILIAL JUVENILE SYSTEMIC; GRANULOMATOSIS, FAMILIAL, BLAU TYPE; GRANULOMATOUS INFLAMMATORY ARTHRITIS, DERMATITIS, AND UVEITIS, FAMILIAL; JABS SYNDROME. Identifiers: Orphanet 90340, MedGen C5201146, MONDO:0008523, OMIM 186580.
Regional enteritis. Also called: Enteritis, Granulomatous. Identifiers: MedGen C0678202, MeSH D003424.

Allele frequency attached by ClinVar (database versions not stated): gnomAD exomes 0.00001; TOPMed 0.00001; ExAC 0.00002; gnomAD 0.00002.
gnomAD v4.1: 44 of 1,614,120 alleles (0.0027%); highest among the groups gnomAD compares: Non-Finnish European, 0.0036%; no homozygotes.

Submission:

Labcorp Genetics (formerly Invitae), Labcorp
Classification: Uncertain significance for Regional enteritis; Blau syndrome. Last evaluated: 2024-10-29. Review status: criteria provided, single submitter. Criteria: Invitae Variant Classification Sherloc (09022015). Collection method: clinical testing. Allele origin: germline.
Comment: This sequence change replaces proline, which is neutral and non-polar, with alanine, which is neutral and non-polar, at codon 371 of the NOD2 protein (p.Pro371Ala). This variant is present in population databases (rs775443143, gnomAD 0.003%). This variant has not been reported in the literature in individuals affected with NOD2-related conditions. ClinVar contains an entry for this variant (Variation ID: 1015243). Invitae Evidence Modeling of protein sequence and biophysical properties (such as structural, functional, and spatial information, amino acid conservation, physicochemical variation, residue mobility, and thermodynamic stability) has been performed for this missense variant. However, the output from this modeling did not meet the statistical confidence thresholds required to predict the impact of this variant on NOD2 protein function. In summary, the available evidence is currently insufficient to determine the role of this variant in disease. Therefore, it has been classified as a Variant of Uncertain Significance.

NM_001370466.1(NOD2):c.1030C>G (p.Pro344Ala)

Gene: NOD2 (nucleotide binding oligomerization domain containing 2; plus strand). Cytogenetic location: 16q12.1.
Variant type: single nucleotide variant.
Coding change: c.1030C>G on transcript NM_001370466.1 (MANE Select); coding-DNA position 1030, C replaced by G.
Protein change: p.Pro344Ala; replaces proline 344 with alanine.
Molecular consequence: missense variant. On other transcripts: non-coding transcript variant (1).
Genome position (GRCh38, 1-based): chr16:50,711,022, C>G. VCF-style: chr16-50711022-C-G. GRCh37 (hg19) VCF-style: chr16-50744933-C-G.
Other names: c.1030C>G, p.Pro344Ala (NM_001293557.2); c.1111C>G, p.Pro371Ala (NM_022162.3); short protein forms P344A, P371A.
Identifiers: ClinVar variation 1015243 (VCV001015243.47), dbSNP rs775443143, ClinGen allele CA8051466.